The following is an entry in ClinVar:

NM_031220.4(PITPNM3):c.1396T>C (p.Phe466Leu)

Gene: PITPNM3 (PITPNM family member 3; minus strand). Cytogenetic location: 17p13.2.
Variant type: single nucleotide variant.
Coding change: c.1396T>C on transcript NM_031220.4 (MANE Select); coding-DNA position 1396, T replaced by C.
Protein change: p.Phe466Leu; replaces phenylalanine 466 with leucine.
Molecular consequence: missense variant.
Genome position (GRCh38, 1-based): chr17:6,472,690, A>G on the plus strand (T>C on the coding strand, the complement: PITPNM3 is on the minus strand). VCF-style: chr17-6472690-A-G. GRCh37 (hg19) VCF-style: chr17-6376010-A-G.
Other names: c.1288T>C, p.Phe430Leu (NM_001165966.2); short protein forms F430L, F466L.
Identifiers: ClinVar variation 2803750 (VCV002803750.3), dbSNP rs2544002356, ClinGen allele CA397405984.

ClinVar aggregate classification (germline): Uncertain significance (1 of 4 stars; one submission).

Submission:

Labcorp Genetics (formerly Invitae), Labcorp
Classification: Uncertain significance. Last evaluated: 2025-01-13. Review status: criteria provided, single submitter. Criteria: Invitae Variant Classification Sherloc (09022015). Collection method: clinical testing. Allele origin: germline.
Comment: This sequence change replaces phenylalanine, which is neutral and non-polar, with leucine, which is neutral and non-polar, at codon 466 of the PITPNM3 protein (p.Phe466Leu). This variant is not present in population databases (gnomAD no frequency). This variant has not been reported in the literature in individuals affected with PITPNM3-related conditions. ClinVar contains an entry for this variant (Variation ID: 2803750). Invitae Evidence Modeling of protein sequence and biophysical properties (such as structural, functional, and spatial information, amino acid conservation, physicochemical variation, residue mobility, and thermodynamic stability) indicates that this missense variant is not expected to disrupt PITPNM3 protein function with a negative predictive value of 80%. In summary, the available evidence is currently insufficient to determine the role of this variant in disease. Therefore, it has been classified as a Variant of Uncertain Significance.